The following is an entry in ClinVar:

ClinVar aggregate classification (germline): Uncertain significance (1 of 4 stars; one submission).

Conditions:
LAMA2-related muscular dystrophy (LAMA2-RD). Also called: Laminin alpha 2-related dystrophy. Identifiers: MedGen C5679788, MONDO:0100228.

Allele frequency attached by ClinVar (database versions not stated): TOPMed below 0.00001.

Submission:

Labcorp Genetics (formerly Invitae), Labcorp
Classification: Uncertain significance for LAMA2-related muscular dystrophy. Last evaluated: 2022-06-11. Review status: criteria provided, single submitter. Criteria: Invitae Variant Classification Sherloc (09022015). Collection method: clinical testing. Allele origin: germline.
Comment: This variant is not present in population databases (gnomAD no frequency). This variant has not been reported in the literature in individuals affected with LAMA2-related conditions. Advanced modeling of protein sequence and biophysical properties (such as structural, functional, and spatial information, amino acid conservation, physicochemical variation, residue mobility, and thermodynamic stability) performed at Invitae indicates that this missense variant is not expected to disrupt LAMA2 protein function. In summary, the available evidence is currently insufficient to determine the role of this variant in disease. Therefore, it has been classified as a Variant of Uncertain Significance. This sequence change replaces glutamine, which is neutral and polar, with histidine, which is basic and polar, at codon 2415 of the LAMA2 protein (p.Gln2415His).

NM_000426.4(LAMA2):c.7245A>C (p.Gln2415His)

Gene: LAMA2 (laminin subunit alpha 2; plus strand). Cytogenetic location: 6q22.33.
Variant type: single nucleotide variant.
Coding change: c.7245A>C on transcript NM_000426.4 (MANE Select); coding-DNA position 7245, A replaced by C.
Protein change: p.Gln2415His; replaces glutamine 2415 with histidine.
Molecular consequence: missense variant.
Genome position (GRCh38, 1-based): chr6:129,465,234, A>C. VCF-style: chr6-129465234-A-C. GRCh37 (hg19) VCF-style: chr6-129786379-A-C.
Other names: c.7245A>C, p.Gln2415His (NM_001079823.2); short protein forms Q2415H.
Identifiers: ClinVar variation 2076269 (VCV002076269.4), dbSNP rs113359126, ClinGen allele CA365621967.
Genomic context (GRCh38, chr6:129,465,234, plus strand): 5'-TGGGCACATAAAAGTCAGTTACGATCTGGGCTCAGGAATGGCTTCCGTTGTCAGCAATCA[A>C]AACCATAATGATGGGAAATGGAAATCATTCACTCTGTCAAGAATTCAAAAACAAGGTGAG-3'
Protein context (NP_000417.3, residues 2405-2425): GSGMASVVSN[Gln2415His]NHNDGKWKSF